The following is an entry in ClinVar:

ClinVar aggregate classification (germline): Pathogenic (1 of 4 stars; one submission).

Submission:

Labcorp Genetics (formerly Invitae), Labcorp
Classification: Pathogenic. Last evaluated: 2023-06-04. Review status: criteria provided, single submitter. Criteria: Invitae Variant Classification Sherloc (09022015). Collection method: clinical testing. Allele origin: germline.
Comment: For these reasons, this variant has been classified as Pathogenic. This sequence change creates a premature translational stop signal (p.Lys580*) in the POLR3A gene. It is expected to result in an absent or disrupted protein product. Loss-of-function variants in POLR3A are known to be pathogenic (PMID: 21855841, 25339210, 27612211, 30414627, 30450527). This variant is not present in population databases (gnomAD no frequency). This variant has not been reported in the literature in individuals affected with POLR3A-related conditions.

Literature cited by the submitters: PubMed 21855841; PubMed 25339210; PubMed 27612211; PubMed 30414627; PubMed 30450527.

NM_007055.4(POLR3A):c.1738A>T (p.Lys580Ter)

Gene: POLR3A (RNA polymerase III subunit A; minus strand). Cytogenetic location: 10q22.3.
Variant type: single nucleotide variant.
Coding change: c.1738A>T on transcript NM_007055.4 (MANE Select); coding-DNA position 1738, A replaced by T.
Protein change: p.Lys580Ter; replaces lysine 580 with a stop codon.
Molecular consequence: nonsense.
Genome position (GRCh38, 1-based): chr10:78,009,896, T>A on the plus strand (A>T on the coding strand, the complement: POLR3A is on the minus strand). VCF-style: chr10-78009896-T-A. GRCh37 (hg19) VCF-style: chr10-79769654-T-A.
Other names: short protein forms K580*.
Identifiers: ClinVar variation 2996417 (VCV002996417.3), dbSNP rs2493220203, ClinGen allele CA377340960.